The following is an entry in ClinVar:

ClinVar aggregate classification (germline): Likely benign (1 of 4 stars; one submission).

gnomAD v4.1: 129 of 1,613,852 alleles (0.008%); highest among the groups gnomAD compares: Non-Finnish European, 0.01%; no homozygotes.

Submission:

CeGaT Center for Human Genetics Tuebingen
Classification: Likely benign. Last evaluated: 2025-08-01. Review status: criteria provided, single submitter. Criteria: CeGaT Center For Human Genetics Tuebingen Variant Classification Criteria Version 2. Collection method: clinical testing. Allele origin: germline. Affected: yes. Observed: 1 variant allele.
Comment: ZNF462: BP4, BS2

NM_021224.6(ZNF462):c.3532C>A (p.Arg1178=)

Gene: ZNF462 (zinc finger protein 462; plus strand). Cytogenetic location: 9q31.2.
Variant type: single nucleotide variant.
Coding change: c.3532C>A on transcript NM_021224.6 (MANE Select); coding-DNA position 3532, C replaced by A.
Protein change: p.Arg1178=; no amino-acid change (arginine 1178 retained).
Molecular consequence: synonymous variant. On other transcripts: intron variant (1).
Genome position (GRCh38, 1-based): chr9:106,927,444, C>A. VCF-style: chr9-106927444-C-A. GRCh37 (hg19) VCF-style: chr9-109689725-C-A.
Other names: c.3252+280C>A (NM_001347997.2).
Identifiers: ClinVar variation 4085846 (VCV004085846.8).